The following is an entry in ClinVar:

ClinVar aggregate classification (germline): Uncertain significance (1 of 4 stars; one submission).

Allele frequency attached by ClinVar (database versions not stated): gnomAD 0.00002 and 0.00003; gnomAD exomes 0.00002 and 0.00003; TOPMed 0.00002; ExAC 0.00002.

Submission:

Labcorp Genetics (formerly Invitae), Labcorp
Classification: Uncertain significance. Last evaluated: 2025-12-08. Review status: criteria provided, single submitter. Criteria: Invitae Variant Classification Sherloc (09022015). Collection method: clinical testing. Allele origin: germline.
Comment: This sequence change replaces proline, which is neutral and non-polar, with leucine, which is neutral and non-polar, at codon 206 of the LRRC10 protein (p.Pro206Leu). This variant is present in population databases (rs763225285, gnomAD 0.006%). This variant has not been reported in the literature in individuals affected with LRRC10-related conditions. ClinVar contains an entry for this variant (Variation ID: 1512667). An algorithm developed to predict the effect of missense changes on protein structure and function (PolyPhen-2) suggests that this variant is likely to be disruptive. In summary, the available evidence is currently insufficient to determine the role of this variant in disease. Therefore, it has been classified as a Variant of Uncertain Significance.

NM_201550.4(LRRC10):c.617C>T (p.Pro206Leu)

Gene: LRRC10 (leucine rich repeat containing 10; minus strand). Cytogenetic location: 12q15.
Variant type: single nucleotide variant.
Coding change: c.617C>T on transcript NM_201550.4 (MANE Select); coding-DNA position 617, C replaced by T.
Protein change: p.Pro206Leu; replaces proline 206 with leucine.
Molecular consequence: missense variant.
Genome position (GRCh38, 1-based): chr12:69,610,222, G>A on the plus strand (C>T on the coding strand, the complement: LRRC10 is on the minus strand). VCF-style: chr12-69610222-G-A. GRCh37 (hg19) VCF-style: chr12-70004002-G-A.
Other names: short protein forms P206L.
Identifiers: ClinVar variation 1512667 (VCV001512667.8), dbSNP rs763225285, ClinGen allele CA6681034.